The following is an entry in ClinVar:

ClinVar aggregate classification (germline): Benign/Likely benign. Review status: criteria provided, single submitter (1 of 4 stars). 2 submissions from 1 submitter: Benign (1); Likely benign (1). Last evaluated 2018-01-12.

Conditions:
Leydig cell agenesis. Also called: HYPERGONADOTROPIC HYPOGONADISM, MALE, DUE TO LHCGR DEFECT; LEYDIG CELL HYPOPLASIA WITH MALE PSEUDOHERMAPHRODITISM; LEYDIG CELL HYPOPLASIA, COMPLETE; Leydig cell hypoplasia, type 1. Identifiers: MedGen C0266432, MONDO:0009384, OMIM 238320.
Gonadotropin-independent familial sexual precocity. Also called: Familial male-limited precocious puberty; TESTOTOXICOSIS, FAMILIAL. Identifiers: Orphanet 3000, MedGen C0342549, MONDO:0008303, OMIM 176410.

Allele frequency attached by ClinVar (database versions not stated): gnomAD exomes 0.00012 and 0.00031; ExAC 0.00043; 1000 Genomes Project 30x 0.00047; 1000 Genomes Project 0.00040; ESP Exome Variant Server 0.00108; gnomAD 0.00139 and 0.00152; TOPMed 0.00166.
gnomAD v4.1: 391 of 1,579,640 alleles (0.025%); highest among the groups gnomAD compares: African/African-American, 0.48%; 1 homozygote.

Submissions (2):

Illumina Laboratory Services, Illumina
Classification: Benign for Gonadotropin-independent familial sexual precocity. Last evaluated: 2018-01-12. Review status: criteria provided, single submitter. Criteria: ICSL Variant Classification Criteria 13 December 2019. Collection method: clinical testing. Allele origin: germline.
Comment: This variant was observed in the ICSL laboratory as part of a predisposition screen in an ostensibly healthy population. It had not been previously curated by ICSL or reported in the Human Gene Mutation Database (HGMD: prior to June 1st, 2018), and was therefore a candidate for classification through an automated scoring system. Utilizing variant allele frequency, disease prevalence and penetrance estimates, and inheritance mode, an automated score was calculated to assess if this variant is too frequent to cause the disease. Based on the score and internal cut-off values, a variant classified as benign is not then subjected to further curation. The score for this variant resulted in a classification of benign for this disease.

Illumina Laboratory Services, Illumina
Classification: Likely benign for Leydig cell agenesis. Last evaluated: 2018-01-12. Review status: criteria provided, single submitter. Criteria: ICSL Variant Classification Criteria 13 December 2019. Collection method: clinical testing. Allele origin: germline.
Comment: This variant was observed in the ICSL laboratory as part of a predisposition screen in an ostensibly healthy population. It had not been previously curated by ICSL or reported in the Human Gene Mutation Database (HGMD: prior to June 1st, 2018), and was therefore a candidate for classification through an automated scoring system. Utilizing variant allele frequency, disease prevalence and penetrance estimates, and inheritance mode, an automated score was calculated to assess if this variant is too frequent to cause the disease. Based on the score and internal cut-off values, a variant classified as likely benign is not then subjected to further curation. The score for this variant resulted in a classification of likely benign for this disease.

NM_000233.4(LHCGR):c.*22T>G

Genes: LHCGR (luteinizing hormone/choriogonadotropin receptor; minus strand), STON1-GTF2A1L (STON1-GTF2A1L readthrough; plus strand). Cytogenetic location: 2p16.3.
Variant type: single nucleotide variant.
Coding change: c.*22T>G on transcript NM_000233.4 (MANE Select); 22 bases downstream of the stop codon, T replaced by G.
Molecular consequence: 3 prime UTR variant. On other transcripts: intron variant (1).
Genome position (GRCh38, 1-based): chr2:48,687,675, A>C on the plus strand (T>G on the coding strand, the complement: LHCGR is on the minus strand). VCF-style: chr2-48687675-A-C. GRCh37 (hg19) VCF-style: chr2-48914814-A-C.
Other names: c.3441+15995A>C (NM_001198593.2).
Identifiers: ClinVar variation 895594 (VCV000895594.4), dbSNP rs192235905, ClinGen allele CA1652919.